The following is an entry in ClinVar:

NM_001308093.3(GATA4):c.353C>A (p.Ala118Glu)

Gene: GATA4 (GATA binding protein 4). Cytogenetic location: 8p23.1.
Variant type: single nucleotide variant.
Coding change: c.353C>A on transcript NM_001308093.3 (MANE Select); coding-DNA position 353, C replaced by A.
Protein change: p.Ala118Glu; replaces alanine 118 with glutamic acid.
Molecular consequence: missense variant. On other transcripts: intron variant (3).
Genome position (GRCh38, 1-based): chr8:11,708,665, C>A. VCF-style: chr8-11708665-C-A. GRCh37 (hg19) VCF-style: chr8-11566174-C-A.
Other names: c.353C>A, p.Ala118Glu (NM_002052.5); c.-6+7887C>A (NM_001308094.2); c.-3+651C>A (NM_001374274.1); c.-3+4361C>A (NM_001374273.1); c.353C>A (NM_002052.4); short protein forms A118E.
Identifiers: ClinVar variation 4703619 (VCV004703619.2).

ClinVar aggregate classification (germline): Uncertain significance. Review status: criteria provided, multiple submitters, no conflicts (2 of 4 stars). 2 submissions from 2 submitters: Uncertain significance (2). Last evaluated 2025-09-23.

Conditions:
GATA4-related disorder. Also called: GATA4-related condition. Identifiers: MedGen CN860321.
Atrioventricular septal defect 4 (AVSD4). Identifiers: MedGen C3280781, MONDO:0013747, OMIM 614430.

Submissions (2):

Labcorp Genetics (formerly Invitae), Labcorp
Classification: Uncertain significance for Atrioventricular septal defect 4. Last evaluated: 2025-09-23. Review status: criteria provided, single submitter. Criteria: Invitae Variant Classification Sherloc (09022015). Collection method: clinical testing. Allele origin: germline.
Comment: This sequence change replaces alanine, which is neutral and non-polar, with glutamic acid, which is acidic and polar, at codon 118 of the GATA4 protein (p.Ala118Glu). This variant is not present in population databases (gnomAD no frequency). This variant has not been reported in the literature in individuals affected with GATA4-related conditions. Invitae Evidence Modeling of protein sequence and biophysical properties (such as structural, functional, and spatial information, amino acid conservation, physicochemical variation, residue mobility, and thermodynamic stability) indicates that this missense variant is not expected to disrupt GATA4 protein function with a negative predictive value of 95%. In summary, the available evidence is currently insufficient to determine the role of this variant in disease. Therefore, it has been classified as a Variant of Uncertain Significance.

PreventionGenetics, part of Exact Sciences
Classification: Uncertain significance for GATA4-related condition. Last evaluated: 2025-07-22. Review status: criteria provided, single submitter. Criteria: ACMG Guidelines, 2015. Collection method: clinical testing. Allele origin: germline.
Comment: The GATA4 c.353C>A variant is predicted to result in the amino acid substitution p.Ala118Glu. To our knowledge, this variant has not been reported in the literature or in a large population database (gnomAD), indicating this variant is rare. At this time, the clinical significance of this variant is uncertain due to the absence of conclusive functional and genetic evidence.